The following is an entry in ClinVar:

ClinVar aggregate classification (germline): Uncertain significance (1 of 4 stars; one submission).

Submission:

GeneDx
Classification: Uncertain significance. Last evaluated: 2026-03-15. Review status: criteria provided, single submitter. Criteria: GeneDx Variant Classification Process June 2021. Collection method: clinical testing. Allele origin: germline.
Comment: Not observed at significant frequency in large population cohorts (gnomAD); In silico analysis suggests that this missense variant does not alter protein structure/function; Has not been previously published as pathogenic or benign to our knowledge

NM_013450.4(BAZ2B):c.4214G>A (p.Gly1405Glu)

Genes: BAZ2B (bromodomain adjacent to zinc finger domain 2B; minus strand), LOC126806390 (CDK7 strongly-dependent group 2 enhancer GRCh37_chr2:160205700-160206899; plus strand). Cytogenetic location: 2q24.2.
Variant type: single nucleotide variant.
Coding change: c.4214G>A on transcript NM_013450.4 (MANE Select); coding-DNA position 4214, G replaced by A.
Protein change: p.Gly1405Glu; replaces glycine 1405 with glutamic acid.
Molecular consequence: missense variant.
Genome position (GRCh38, 1-based): chr2:159,350,357, C>T on the plus strand (G>A on the coding strand, the complement: BAZ2B is on the minus strand). VCF-style: chr2-159350357-C-T. GRCh37 (hg19) VCF-style: chr2-160206868-C-T.
Other names: c.4106G>A, p.Gly1369Glu (NM_001289975.1); c.4052G>A, p.Gly1351Glu (NM_001329857.2); c.4139G>A, p.Gly1380Glu (NM_001329858.2); short protein forms G1369E, G1405E, G1380E, G1351E.
Identifiers: ClinVar variation 5009252 (VCV005009252.1).